The following is an entry in ClinVar:

ClinVar aggregate classification (germline): Uncertain significance (1 of 4 stars; one submission).

Submission:

GeneDx
Classification: Uncertain significance. Last evaluated: 2024-10-08. Review status: criteria provided, single submitter. Criteria: GeneDx Variant Classification Process June 2021. Collection method: clinical testing. Allele origin: germline. Affected: yes.
Comment: Not observed at significant frequency in large population cohorts (gnomAD); In silico analysis supports that this missense variant has a deleterious effect on protein structure/function; Has not been previously published as pathogenic or benign to our knowledge

NM_004370.6(COL12A1):c.6980T>G (p.Leu2327Trp)

Gene: COL12A1 (collagen type XII alpha 1 chain; minus strand). Cytogenetic location: 6q13.
Variant type: single nucleotide variant.
Coding change: c.6980T>G on transcript NM_004370.6 (MANE Select); coding-DNA position 6980, T replaced by G.
Protein change: p.Leu2327Trp; replaces leucine 2327 with tryptophan.
Molecular consequence: missense variant.
Genome position (GRCh38, 1-based): chr6:75,121,408, A>C on the plus strand (T>G on the coding strand, the complement: COL12A1 is on the minus strand). VCF-style: chr6-75121408-A-C. GRCh37 (hg19) VCF-style: chr6-75831124-A-C.
Other names: c.6959T>G, p.Leu2320Trp (NM_001424114.1); c.6707T>G, p.Leu2236Trp (NM_001424115.1); c.3488T>G, p.Leu1163Trp (NM_001424116.1, NM_080645.3); c.6980T>G, p.Leu2327Trp (NM_001424113.1); short protein forms L1163W, L2236W, L2320W, L2327W.
Identifiers: ClinVar variation 3777463 (VCV003777463.1).
Genomic context (GRCh38, chr6:75,121,408, plus strand): 5'-AAGATGAATTTTACAACTTTGTTAAAATTATCGTCCCCAATGCTCCAGGAGGCATCAGTC[A>C]AGAACACAATATCTGCCTTGGCCCCTTTGCATACTGCAAAAAAAGAAAGCAGAGGAAGCC-3'
Protein context (NP_004361.3, residues 2317-2337): CKGAKADIVF[Leu2327Trp]TDASWSIGDD